The following is an entry in ClinVar:

ClinVar aggregate classification (germline): Conflicting classifications of pathogenicity. Review status: criteria provided, conflicting classifications (1 of 4 stars). 8 submissions from 8 submitters: Uncertain significance (1); Benign (1); Likely benign (5). 1 of the submissions does not count toward it. Last evaluated 2026-01-25.

Conditions:
ADGRV1-related disorder. Also called: ADGRV1-related condition; ADGRV1-related disorders.

Allele frequency attached by ClinVar (database versions not stated): gnomAD 0.00129 and 0.00137; ESP Exome Variant Server 0.00135; TOPMed 0.00145; 1000 Genomes Project 0.00160; 1000 Genomes Project 30x 0.00172.
gnomAD v4.1: 412 of 1,607,268 alleles (0.026%); highest among the groups gnomAD compares: African/African-American, 0.47%; no homozygotes.

Submissions (8):

Labcorp Genetics (formerly Invitae), Labcorp
Classification: Likely benign. Last evaluated: 2026-01-25. Review status: criteria provided, single submitter. Criteria: Invitae Variant Classification Sherloc (09022015). Collection method: clinical testing. Allele origin: germline.

Women's Health and Genetics/Laboratory Corporation of America, LabCorp
Classification: Likely benign. Last evaluated: 2025-09-23. Review status: criteria provided, single submitter. Criteria: LabCorp Variant Classification Summary - May 2015. Collection method: clinical testing. Allele origin: germline.
Comment: Variant summary: ADGRV1 c.8815C>T (p.Pro2939Ser) results in a non-conservative amino acid change in the encoded protein sequence. Algorithms developed to predict the effect of missense changes on protein structure and function are either unavailable or do not agree on the potential impact of this missense change. The variant allele was found at a frequency of 0.00033 in 248758 control chromosomes, predominantly at a frequency of 0.0043 within the African or African-American subpopulation in the gnomAD database. The observed variant frequency within African or African-American control individuals in the gnomAD database exceeds the estimated maximal expected allele frequency for disease-causing variants in ADGRV1. To our knowledge, no occurrence of c.8815C>T in individuals affected with ADGRV1-related conditions and no experimental evidence demonstrating its impact on protein function have been reported. ClinVar contains an entry for this variant (Variation ID: 284894). Based on the evidence outlined above, the variant was classified as likely benign.

Athena Diagnostics
Classification: Benign. Last evaluated: 2025-01-07. Review status: criteria provided, single submitter. Criteria: Athena Diagnostics Criteria. Collection method: clinical testing. Allele origin: unknown.
Comment: The frequency of this variant in the general population is higher than would generally be expected for pathogenic variants in this gene.

Blueprint Genetics
Classification: Likely benign. Last evaluated: 2024-07-26. Review status: criteria provided, single submitter. Criteria: ACMG Guidelines, 2015. Collection method: clinical testing. Allele origin: germline.

GeneDx
Classification: Likely benign. Last evaluated: 2019-08-14. Review status: criteria provided, single submitter. Criteria: GeneDx Variant Classification Process June 2021. Collection method: clinical testing. Allele origin: germline. Affected: yes.

Eurofins Ntd Llc (ga)
Classification: Uncertain significance. Last evaluated: 2018-06-28. Review status: criteria provided, single submitter. Criteria: EGL ClinVar v180209 classification definitions. Collection method: clinical testing. Allele origin: germline. Observed: 4 variant alleles, 4 heterozygotes.

Laboratory for Molecular Medicine, Mass General Brigham Personalized Medicine
Classification: Likely benign. Last evaluated: 2016-06-21. Review status: criteria provided, single submitter. Criteria: LMM Criteria. Collection method: clinical testing. Allele origin: germline. Observed: 3 variant alleles.
Comment: p.Pro2939Ser in Exon 39 of GPR98: This variant is not expected to have clinical significance because it has been identified in 0.4% (41/9800) of African chromos omes by the Exome Aggregation Consortium (ExAC; dbSNP rs202211640).

PreventionGenetics, part of Exact Sciences
Classification: Likely benign for ADGRV1-related condition. Last evaluated: 2023-06-16. Review status: no assertion criteria provided. Collection method: clinical testing. Allele origin: germline. Not counted in ClinVar's aggregate classification.
Comment: This variant is classified as likely benign based on ACMG/AMP sequence variant interpretation guidelines (Richards et al. 2015 PMID: 25741868, with internal and published modifications).

Literature cited by the submitters: PubMed 27898983 (cited by Athena Diagnostics).

NM_032119.4(ADGRV1):c.8815C>T (p.Pro2939Ser)

Gene: ADGRV1 (adhesion G protein-coupled receptor V1; plus strand). Cytogenetic location: 5q14.3.
Variant type: single nucleotide variant.
Coding change: c.8815C>T on transcript NM_032119.4 (MANE Select); coding-DNA position 8815, C replaced by T.
Protein change: p.Pro2939Ser; replaces proline 2939 with serine.
Molecular consequence: missense variant. On other transcripts: non-coding transcript variant (1).
Genome position (GRCh38, 1-based): chr5:90,708,900, C>T. VCF-style: chr5-90708900-C-T. GRCh37 (hg19) VCF-style: chr5-90004717-C-T.
Other names: short protein forms P2939S.
Identifiers: ClinVar variation 284894 (VCV000284894.26), dbSNP rs202211640, ClinGen allele CA3340357.